The following is an entry in ClinVar:

NM_000047.3(ARSL):c.677C>T (p.Pro226Leu)

Gene: ARSL (arylsulfatase L; minus strand). Cytogenetic location: Xp22.33.
Variant type: single nucleotide variant.
Coding change: c.677C>T on transcript NM_000047.3 (MANE Select); coding-DNA position 677, C replaced by T.
Protein change: p.Pro226Leu; replaces proline 226 with leucine.
Molecular consequence: missense variant.
Genome position (GRCh38, 1-based): chrX:2,949,481, G>A on the plus strand (C>T on the coding strand, the complement: ARSL is on the minus strand). VCF-style: chrX-2949481-G-A. GRCh37 (hg19) VCF-style: chrX-2867522-G-A.
Other names: c.752C>T, p.Pro251Leu (NM_001282628.2, NM_001369080.1); c.515C>T, p.Pro172Leu (NM_001282631.2); c.704C>T, p.Pro235Leu (NM_001369079.1); c.677C>T (NM_000047.2); short protein forms P251L, P235L, P172L, P226L.
Identifiers: ClinVar variation 2152956 (VCV002152956.3), dbSNP rs140499958, ClinGen allele CA10338165.

ClinVar aggregate classification (germline): Conflicting classifications of pathogenicity. Review status: criteria provided, conflicting classifications (1 of 4 stars). 2 submissions from 2 submitters: Uncertain significance (1); Likely benign (1). Last evaluated 2025-12-18.

Conditions:
Inborn genetic diseases. Identifiers: MedGen C0950123, MeSH D030342.
Chondrodysplasia punctata, brachytelephalangic, autosomal. Also called: BRACHYTELEPHALANGIC CHONDRODYSPLASIA PUNCTATA. Identifiers: MedGen C1844853, MONDO:0011238, OMIM 602497.

Allele frequency attached by ClinVar (database versions not stated): ExAC 0.00002; gnomAD exomes 0.00002; gnomAD 0.00007; TOPMed 0.00011; ESP Exome Variant Server 0.00028; 1000 Genomes Project 30x 0.00042; 1000 Genomes Project 0.00053.
gnomAD v4.1: 30 of 1,209,121 alleles (0.0025%); highest among the groups gnomAD compares: African/African-American, 0.03%; no homozygotes.

Submissions (2):

Labcorp Genetics (formerly Invitae), Labcorp
Classification: Uncertain significance for Chondrodysplasia punctata, brachytelephalangic, autosomal. Last evaluated: 2025-12-18. Review status: criteria provided, single submitter. Criteria: Invitae Variant Classification Sherloc (09022015). Collection method: clinical testing. Allele origin: germline.
Comment: This sequence change replaces proline, which is neutral and non-polar, with leucine, which is neutral and non-polar, at codon 226 of the ARSE protein (p.Pro226Leu). This variant is present in population databases (rs140499958, gnomAD 0.04%). This variant has not been reported in the literature in individuals affected with ARSE-related conditions. ClinVar contains an entry for this variant (Variation ID: 2152956). Invitae Evidence Modeling of protein sequence and biophysical properties (such as structural, functional, and spatial information, amino acid conservation, physicochemical variation, residue mobility, and thermodynamic stability) indicates that this missense variant is not expected to disrupt ARSE protein function with a negative predictive value of 80%. In summary, the available evidence is currently insufficient to determine the role of this variant in disease. Therefore, it has been classified as a Variant of Uncertain Significance.

Ambry Genetics
Classification: Likely benign for Inborn genetic diseases. Last evaluated: 2024-11-20. Review status: criteria provided, single submitter. Criteria: Ambry Variant Classification Scheme 2023. Collection method: clinical testing. Allele origin: germline.